The following is an entry in ClinVar:

ClinVar aggregate classification (germline): Likely benign (1 of 4 stars; one submission).

Conditions:
Hereditary diffuse gastric adenocarcinoma (HDGC). Also called: DIFFUSE GASTRIC AND LOBULAR BREAST CANCER SYNDROME. Identifiers: Orphanet 26106, MedGen C1708349, MONDO:0007648, OMIM 137215.

Submission:

Myriad Genetics, Inc.
Classification: Likely benign for Hereditary diffuse gastric adenocarcinoma. Last evaluated: 2024-10-09. Review status: criteria provided, single submitter. Criteria: Myriad Autosomal Dominant, Autosomal Recessive and X-Linked Classification Criteria (2023). Collection method: clinical testing. Allele origin: unknown.
Comment: This variant is considered likely benign. This variant is intronic and is not expected to impact mRNA splicing.

NM_001903.5(CTNNA1):c.-2-18T>C

Gene: CTNNA1 (catenin alpha 1; plus strand). Cytogenetic location: 5q31.2.
Variant type: single nucleotide variant.
Coding change: c.-2-18T>C on transcript NM_001903.5 (MANE Select); 18 bases into the intron before 2 bases upstream of the start codon, T replaced by C.
Molecular consequence: intron variant.
Genome position (GRCh38, 1-based): chr5:138,781,905, T>C. VCF-style: chr5-138781905-T-C. GRCh37 (hg19) VCF-style: chr5-138117594-T-C.
Other names: c.-2-18T>C (NM_001323982.2, NM_001323984.2, NM_001290307.3 and 3 more transcripts); c.-208-18T>C (NM_001290310.3); c.-115-18T>C (NM_001290309.3).
Identifiers: ClinVar variation 3773474 (VCV003773474.1).
Genomic context (GRCh38, chr5:138,781,905, plus strand): 5'-CAAAGTAGGAGAAGATTTGTTACATATTTCATGTTTGTGTTTGATGTTTGCCTGACTGAC[T>C]TTTTGTTTCTTATTTAGAAATGACTGCTGTCCATGCAGGCAACATAAACTTCAAGTGGGA-3'